The following is an entry in ClinVar:

NM_032578.4(MYPN):c.3638C>T (p.Pro1213Leu)

Gene: MYPN (myopalladin; plus strand). Cytogenetic location: 10q21.3.
Variant type: single nucleotide variant.
Coding change: c.3638C>T on transcript NM_032578.4 (MANE Select); coding-DNA position 3638, C replaced by T.
Protein change: p.Pro1213Leu; replaces proline 1213 with leucine.
Molecular consequence: missense variant. On other transcripts: non-coding transcript variant (2).
Genome position (GRCh38, 1-based): chr10:68,201,973, C>T. VCF-style: chr10-68201973-C-T. GRCh37 (hg19) VCF-style: chr10-69961730-C-T.
Other names: c.3638C>T, p.Pro1213Leu (NM_001256267.2); c.2756C>T, p.Pro919Leu (NM_001256268.2); short protein forms P1213L, P919L.
Identifiers: ClinVar variation 3916684 (VCV003916684.1).
Genomic context (GRCh38, chr10:68,201,973, plus strand): 5'-GCCGCGTGATAGGCATGCCCCCACCTGTGTTCTACTGGAAGAAAGACAATGAGACCATCC[C>T]TTGCACCAGAGAGAGGATCAGGTACAGCAGCCACCACATCCAGAGGGACTCCCACTCTCA-3'
Protein context (NP_115967.2, residues 1203-1223): FYWKKDNETI[Pro1213Leu]CTRERISMHQ

ClinVar aggregate classification (germline): Uncertain significance (1 of 4 stars; one submission).

Conditions:
Cardiovascular phenotype. Identifiers: MedGen CN230736.

gnomAD v4.1: 1 of 1,613,964 alleles (0.000062%); no homozygotes.

Submission:

Ambry Genetics
Classification: Uncertain significance for Cardiovascular phenotype. Last evaluated: 2025-03-23. Review status: criteria provided, single submitter. Criteria: Ambry Variant Classification Scheme 2023. Collection method: clinical testing. Allele origin: germline.
Comment: The p.P1213L variant (also known as c.3638C>T), located in coding exon 17 of the MYPN gene, results from a C to T substitution at nucleotide position 3638. The proline at codon 1213 is replaced by leucine, an amino acid with similar properties. This amino acid position is conserved. In addition, the in silico prediction for this alteration is inconclusive. Based on the available evidence, the clinical significance of this variant remains unclear.